The following is an entry in ClinVar:

ClinVar aggregate classification (germline): Uncertain significance (1 of 4 stars; one submission).

Allele frequency attached by ClinVar (database versions not stated): TOPMed below 0.00001; gnomAD 0.00001.
gnomAD v4.1: 1 of 1,610,324 alleles (0.000062%); highest among the groups gnomAD compares: Non-Finnish European, 0.000085%; no homozygotes.

Submission:

Labcorp Genetics (formerly Invitae), Labcorp
Classification: Uncertain significance. Last evaluated: 2022-09-19. Review status: criteria provided, single submitter. Criteria: Invitae Variant Classification Sherloc (09022015). Collection method: clinical testing. Allele origin: germline.
Comment: This variant has not been reported in the literature in individuals affected with XRCC4-related conditions. This variant is not present in population databases (gnomAD no frequency). Advanced modeling of protein sequence and biophysical properties (such as structural, functional, and spatial information, amino acid conservation, physicochemical variation, residue mobility, and thermodynamic stability) performed at Invitae indicates that this missense variant is not expected to disrupt XRCC4 protein function. This sequence change replaces lysine, which is basic and polar, with arginine, which is basic and polar, at codon 197 of the XRCC4 protein (p.Lys197Arg). In summary, the available evidence is currently insufficient to determine the role of this variant in disease. Therefore, it has been classified as a Variant of Uncertain Significance.

NM_003401.5(XRCC4):c.590A>G (p.Lys197Arg)

Gene: XRCC4 (X-ray repair cross complementing 4; plus strand). Cytogenetic location: 5q14.2.
Variant type: single nucleotide variant.
Coding change: c.590A>G on transcript NM_003401.5 (MANE Select); coding-DNA position 590, A replaced by G.
Protein change: p.Lys197Arg; replaces lysine 197 with arginine.
Molecular consequence: missense variant.
Genome position (GRCh38, 1-based): chr5:83,203,659, A>G. VCF-style: chr5-83203659-A-G. GRCh37 (hg19) VCF-style: chr5-82499478-A-G.
Other names: c.590A>G, p.Lys197Arg (NM_001131022.1, NM_001318012.3, NM_001318013.2 and 2 more transcripts); short protein forms K197R.
Identifiers: ClinVar variation 2072589 (VCV002072589.4), dbSNP rs1458486332, ClinGen allele CA360358993.
Genomic context (GRCh38, chr5:83,203,659, plus strand): 5'-ATAAGCGGTTTATTCTGGTGTTGAATGAGAAGAAAACAAAAATCAGAAGTTTGCATAATA[A>G]ATTATTAAATGCAGCTCAAGAACGAGAAAAGGACATCAAACAAGAAGGGTATTTTCGCTA-3'
Protein context (NP_003392.1, residues 187-207): KKTKIRSLHN[Lys197Arg]LLNAAQEREK